The following is an entry in ClinVar:

NM_000059.4(BRCA2):c.4883_4894del (p.Lys1628_Lys1631del)

Gene: BRCA2 (BRCA2 DNA repair associated; plus strand). Cytogenetic location: 13q13.1.
Variant type: Deletion.
Coding change: c.4883_4894del on transcript NM_000059.4 (MANE Select); coding-DNA positions 4883 to 4894, 12 bases deleted (AAACATCAAAAA).
Protein change: p.Lys1628_Lys1631del.
Molecular consequence: inframe deletion.
Genome position (GRCh38, 1-based): chr13:32,339,238-32,339,249, AAACATCAAAAA deleted; deleting any 12 consecutive bases within chr13:32,339,237-32,339,249 gives the same sequence; the c. name uses the placement nearest the transcript's 3' end. VCF-style (leftmost placement, unchanged base first): chr13-32339236-CAAAACATCAAAA-C. GRCh37 (hg19) VCF-style: chr13-32913373-CAAAACATCAAAA-C.
Other names: c.4883_4894delAAACATCAAAAA (NM_000059.3).
Identifiers: ClinVar variation 462362 (VCV000462362.9), dbSNP rs1555283972, ClinGen allele CA658656365.

ClinVar aggregate classification (germline): Uncertain significance (1 of 4 stars; one submission).

Conditions:
Hereditary breast ovarian cancer syndrome. Also called: Hereditary breast and ovarian cancer syndrome (HBOC); Hereditary breast and ovarian cancer syndrome; Breast and ovarian cancer; Hereditary breast and/or ovarian cancer syndrome; Hereditary breast and ovarian cancer; BRCA1- and BRCA2-Associated Hereditary Breast and Ovarian Cancer. Identifiers: Orphanet 145, MedGen C0677776, MeSH D061325, MONDO:0003582. Disease mechanism: loss of function.

Submission:

Labcorp Genetics (formerly Invitae), Labcorp
Classification: Uncertain significance for Hereditary breast ovarian cancer syndrome. Last evaluated: 2017-03-08. Review status: criteria provided, single submitter. Criteria: Invitae Variant Classification Sherloc (09022015). Collection method: clinical testing. Allele origin: germline.
Comment: In summary, this is a novel in-frame deletion with uncertain impact on protein function. It has been classified as a Variant of Uncertain Significance. Experimental studies and prediction algorithms are not available for this variant, and the functional significance of the deleted amino acids is currently unknown. This variant is not present in population databases (ExAC no frequency) and has not been reported in the literature in individuals with a BRCA2-related disease. This sequence change deletes 12 nucleotides from exon 11 of the BRCA2 mRNA (c.4883_4894delAAACATCAAAAA). This leads to the deletion of 4 amino acid residues in the BRCA2 protein (p.Lys1628_Lys1631del) but otherwise preserves the integrity of the reading frame.